The following is an entry in ClinVar:

NM_001352514.2(HLCS):c.2544C>T (p.Gly848=)

Gene: HLCS (holocarboxylase synthetase; minus strand). Cytogenetic location: 21q22.13.
Variant type: single nucleotide variant.
Coding change: c.2544C>T on transcript NM_001352514.2 (MANE Select); coding-DNA position 2544, C replaced by T.
Protein change: p.Gly848=; no amino-acid change (glycine 848 retained).
Molecular consequence: synonymous variant. On other transcripts: non-coding transcript variant (2).
Genome position (GRCh38, 1-based): chr21:36,754,324, G>A on the plus strand (C>T on the coding strand, the complement: HLCS is on the minus strand). VCF-style: chr21-36754324-G-A. GRCh37 (hg19) VCF-style: chr21-38126625-G-A.
Other names: c.2103C>T, p.Gly701= (NM_000411.8, NM_001242784.3, NM_001242785.2 and 4 more transcripts).
Identifiers: ClinVar variation 514006 (VCV000514006.11), dbSNP rs142437842, ClinGen allele CA10020223.

ClinVar aggregate classification (germline): Benign/Likely benign. Review status: criteria provided, multiple submitters, no conflicts (2 of 4 stars). 2 submissions from 2 submitters: Benign (1); Likely benign (1). Last evaluated 2025-03-25.

Conditions:
Holocarboxylase synthetase deficiency. Also called: MULTIPLE CARBOXYLASE DEFICIENCY, EARLY ONSET. Identifiers: Orphanet 79242, MedGen C0268581, MONDO:0009666, OMIM 253270.

Allele frequency attached by ClinVar (database versions not stated): TOPMed 0.00005; 1000 Genomes Project 30x 0.00016; 1000 Genomes Project 0.00020; gnomAD exomes 0.00021; ExAC 0.00023; gnomAD 0.00032.
gnomAD v4.1: 93 of 1,613,942 alleles (0.0058%); highest among the groups gnomAD compares: East Asian, 0.1%; no homozygotes.

Submissions (2):

Labcorp Genetics (formerly Invitae), Labcorp
Classification: Benign for Holocarboxylase synthetase deficiency. Last evaluated: 2025-03-25. Review status: criteria provided, single submitter. Criteria: Invitae Variant Classification Sherloc (09022015). Collection method: clinical testing. Allele origin: germline.

GeneDx
Classification: Likely benign. Last evaluated: 2018-01-02. Review status: criteria provided, single submitter. Criteria: GeneDx Variant Classification (06012015). Collection method: clinical testing. Allele origin: germline. Affected: yes.
Comment: This variant is considered likely benign or benign based on one or more of the following criteria: it is a conservative change, it occurs at a poorly conserved position in the protein, it is predicted to be benign by multiple in silico algorithms, and/or has population frequency not consistent with disease.